The following is an entry in ClinVar:

ClinVar aggregate classification (germline): Likely benign. Review status: criteria provided, single submitter (1 of 4 stars). 2 submissions from 2 submitters: Likely benign (1). 1 of the submissions does not count toward it. Last evaluated 2026-08-24.

Conditions:
Cardiovascular phenotype. Identifiers: MedGen CN230736.
BRAF-related disorder. Also called: BRAF-related condition.

Allele frequency attached by ClinVar (database versions not stated): gnomAD exomes below 0.00001; ExAC 0.00002.
gnomAD v4.1: 3 of 1,613,752 alleles (0.00019%); highest among the groups gnomAD compares: South Asian, 0.0022%; no homozygotes.

Submissions (2):

Ambry Genetics
Classification: Likely benign for Cardiovascular phenotype. Last evaluated: 2026-08-24. Review status: criteria provided, single submitter. Criteria: Ambry Variant Classification Scheme 2023. Collection method: clinical testing. Allele origin: germline.

PreventionGenetics, part of Exact Sciences
Classification: Likely benign for BRAF-related condition. Last evaluated: 2023-02-24. Review status: no assertion criteria provided. Collection method: clinical testing. Allele origin: germline. Not counted in ClinVar's aggregate classification.
Comment: This variant is classified as likely benign based on ACMG/AMP sequence variant interpretation guidelines (Richards et al. 2015 PMID: 25741868, with internal and published modifications).

NM_004333.6(BRAF):c.1611G>A (p.Leu537=)

Gene: BRAF (B-Raf proto-oncogene, serine/threonine kinase; minus strand). Cytogenetic location: 7q34.
Variant type: single nucleotide variant.
Coding change: c.1611G>A on transcript NM_004333.6 (MANE Select); coding-DNA position 1611, G replaced by A.
Protein change: p.Leu537=; no amino-acid change (leucine 537 retained).
Molecular consequence: synonymous variant.
Genome position (GRCh38, 1-based): chr7:140,776,995, C>T on the plus strand (G>A on the coding strand, the complement: BRAF is on the minus strand). VCF-style: chr7-140776995-C-T. GRCh37 (hg19) VCF-style: chr7-140476795-C-T.
Other names: c.1611G>A, p.Leu537= (NM_001354609.2, NM_001378468.1, NM_001378474.1); c.1731G>A, p.Leu577= (NM_001374244.1, NM_001374258.1); c.1620G>A, p.Leu540= (NM_001378467.1); c.1545G>A, p.Leu515= (NM_001378469.1); c.1509G>A, p.Leu503= (NM_001378470.1); c.1500G>A, p.Leu500= (NM_001378471.1); c.1455G>A, p.Leu485= (NM_001378472.1, NM_001378473.1); c.1347G>A, p.Leu449= (NM_001378475.1).
Identifiers: ClinVar variation 3061604 (VCV003061604.3), dbSNP rs772768251, ClinGen allele CA4516701.